The following is an entry in ClinVar:

NM_000102.4(CYP17A1):c.100del (p.Leu34fs)

Gene: CYP17A1 (cytochrome P450 family 17 subfamily A member 1; minus strand). Cytogenetic location: 10q24.32.
Variant type: Deletion.
Coding change: c.100del on transcript NM_000102.4 (MANE Select); coding-DNA position 100, one base deleted (C; older notation c.100delC).
Protein change: p.Leu34fs; shifts the reading frame from leucine 34.
Molecular consequence: frameshift variant.
Genome position (GRCh38, 1-based): chr10:102,837,262, G deleted on the plus strand (C on the coding strand, the reverse complement: CYP17A1 is on the minus strand); the first of 3 consecutive G bases (chr10:102,837,262-102,837,264); deleting any one gives the same sequence. VCF-style (leftmost placement, unchanged base first): chr10-102837261-AG-A. GRCh37 (hg19) VCF-style: chr10-104597018-AG-A.
Other names: short protein forms L34fs.
Identifiers: ClinVar variation 1433585 (VCV001433585.6), dbSNP rs2134085596, ClinGen allele CA2573145429.

ClinVar aggregate classification (germline): Pathogenic (1 of 4 stars; one submission).

Submission:

Labcorp Genetics (formerly Invitae), Labcorp
Classification: Pathogenic. Last evaluated: 2021-06-23. Review status: criteria provided, single submitter. Criteria: Invitae Variant Classification Sherloc (09022015). Collection method: clinical testing. Allele origin: germline.
Comment: This sequence change creates a premature translational stop signal (p.Leu34Cysfs*41) in the CYP17A1 gene. It is expected to result in an absent or disrupted protein product. Loss-of-function variants in CYP17A1 are known to be pathogenic (PMID: 17192295, 20197673, 24140098). This variant is not present in population databases (ExAC no frequency). This variant has not been reported in the literature in individuals with CYP17A1-related conditions. For these reasons, this variant has been classified as Pathogenic.

Literature cited by the submitters: PubMed 17192295; PubMed 20197673; PubMed 24140098.